The following is an entry in ClinVar:

NM_001365951.3(KIF1B):c.4654_4658delinsTA (p.Thr1552_Thr1553delinsTyr)

Gene: KIF1B (kinesin family member 1B; plus strand). Cytogenetic location: 1p36.22.
Variant type: Indel.
Coding change: c.4654_4658delinsTA on transcript NM_001365951.3 (MANE Select); coding-DNA positions 4654 to 4658, ACTAC replaced by TA.
Protein change: p.Thr1552_Thr1553delinsTyr.
Molecular consequence: inframe indel.
Genome position (GRCh38, 1-based): chr1:10,365,550-10,365,554, ACTAC replaced by TA. VCF-style: chr1-10365550-ACTAC-TA. GRCh37 (hg19) VCF-style: chr1-10425608-ACTAC-TA.
Other names: c.4654_4658delinsTA, p.Thr1552_Thr1553delinsTyr (NM_001365952.1); c.4516_4520delinsTA, p.Thr1506_Thr1507delinsTyr (NM_015074.3); c.4516_4520delACTACinsTA (NM_015074.3).
Identifiers: ClinVar variation 3226504 (VCV003226504.1), dbSNP rs2521915500, ClinGen allele CA2825000843.

ClinVar aggregate classification (germline): Uncertain significance (1 of 4 stars; one submission).

Submission:

Ambry Genetics
Classification: Uncertain significance. Last evaluated: 2024-02-12. Review status: criteria provided, single submitter. Criteria: Ambry Variant Classification Scheme 2023. Collection method: clinical testing. Allele origin: germline.
Comment: The c.4516_4520delACTACinsTA variant (also known as p.T1506_1507delinsY), located in coding exon 40 of the KIF1B gene, results from an in-frame deletion of ACTAC and insertion of TA at nucleotide positions 4516 to 4520. This results in the substitution of two threonine residues for a tyrosine residue at codon 1506, an amino acid with highly similar properties. This amino acid region is highly conserved in available vertebrate species. The evidence for this gene-disease relationship is limited; therefore, the clinical significance of this alteration is unclear.